The following is an entry in ClinVar:

ClinVar aggregate classification (germline): Benign/Likely benign. Review status: criteria provided, multiple submitters, no conflicts (2 of 4 stars). 4 submissions from 4 submitters: Benign (3); Likely benign (1). Last evaluated 2026-02-04.

Conditions:
Bardet-Biedl syndrome (BBS). Identifiers: Orphanet 110, MedGen C0752166, MONDO:0015229.
Bardet-Biedl syndrome 9 (BBS9). Identifiers: Orphanet 110, MedGen C1859567, MONDO:0014437, OMIM 615986.

Allele frequency attached by ClinVar (database versions not stated): gnomAD 0.00710; TOPMed 0.00759; ESP Exome Variant Server 0.00807; ExAC 0.00966; 1000 Genomes Project 30x 0.01640; 1000 Genomes Project 0.01677.
gnomAD v4.1: 8,196 of 1,613,348 alleles (0.51%); highest among the groups gnomAD compares: South Asian, 4.6%; 169 homozygotes.

Submissions (4):

Labcorp Genetics (formerly Invitae), Labcorp
Classification: Benign for Bardet-Biedl syndrome. Last evaluated: 2026-02-04. Review status: criteria provided, single submitter. Criteria: Invitae Variant Classification Sherloc (09022015). Collection method: clinical testing. Allele origin: germline.

Blueprint Genetics
Classification: Likely benign. Last evaluated: 2024-11-26. Review status: criteria provided, single submitter. Criteria: ACMG Guidelines, 2015. Collection method: clinical testing. Allele origin: germline.

Illumina Laboratory Services, Illumina
Classification: Benign for Bardet-Biedl syndrome 9. Last evaluated: 2018-01-13. Review status: criteria provided, single submitter. Criteria: ICSL Variant Classification Criteria 13 December 2019. Collection method: clinical testing. Allele origin: germline.
Comment: This variant was observed in the ICSL laboratory as part of a predisposition screen in an ostensibly healthy population. It had not been previously curated by ICSL or reported in the Human Gene Mutation Database (HGMD: prior to June 1st, 2018), and was therefore a candidate for classification through an automated scoring system. Utilizing variant allele frequency, disease prevalence and penetrance estimates, and inheritance mode, an automated score was calculated to assess if this variant is too frequent to cause the disease. Based on the score and internal cut-off values, a variant classified as benign is not then subjected to further curation. The score for this variant resulted in a classification of benign for this disease.

PreventionGenetics, part of Exact Sciences
Classification: Benign. Review status: criteria provided, single submitter. Criteria: ACMG Guidelines, 2015. Collection method: clinical testing. Allele origin: germline.

NM_198428.3(BBS9):c.1694-6T>C

Gene: BBS9 (Bardet-Biedl syndrome 9; plus strand). Cytogenetic location: 7p14.3.
Variant type: single nucleotide variant.
Coding change: c.1694-6T>C on transcript NM_198428.3 (MANE Select); 6 bases into the intron before coding-DNA position 1694, T replaced by C.
Molecular consequence: intron variant.
Genome position (GRCh38, 1-based): chr7:33,367,761, T>C. VCF-style: chr7-33367761-T-C. GRCh37 (hg19) VCF-style: chr7-33407373-T-C.
Other names: c.1694-6T>C (NM_001348036.1, NM_001362679.1, NM_001348041.4 and 1 more transcripts); c.1421-6T>C (NM_001348038.3); c.1316-6T>C (NM_001348039.3); c.1679-6T>C (NM_001033605.2); c.1589-6T>C (NM_001033604.2); c.1574-6T>C (NM_014451.4, NM_001348040.3); c.1328-6T>C (NM_001348037.3, NM_001348045.3, NM_001348046.3); c.1559-6T>C (NM_001348042.3); and 1 more.
Identifiers: ClinVar variation 263121 (VCV000263121.17), dbSNP rs28622379, ClinGen allele CA4214472.
Genomic context (GRCh38, chr7:33,367,761, plus strand): 5'-TCCTATTTCAAATGTGTTCATTTTGCCTTCTGGTTACATAAGGTGATTTCTCTCTTTTCT[T>C]TGTAGGTTTTGCCAGTCAGTCAGATGATGATCAGGTGAATGTAATGGGTTTTCACTTCTT-3'